The following is an entry in ClinVar:

ClinVar aggregate classification (germline): Uncertain significance (1 of 4 stars; one submission).

gnomAD v4.1: 1 of 1,613,844 alleles (0.000062%); highest among the groups gnomAD compares: South Asian, 0.0011%; no homozygotes.

Submission:

GeneDx
Classification: Uncertain significance. Last evaluated: 2025-10-10. Review status: criteria provided, single submitter. Criteria: GeneDx Variant Classification Process June 2021. Collection method: clinical testing. Allele origin: germline.
Comment: In silico analysis supports that this missense variant has a deleterious effect on protein structure/function; Not observed at significant frequency in large population cohorts (gnomAD); Has not been previously published as pathogenic or benign to our knowledge

NM_178554.6(KY):c.1604T>C (p.Leu535Pro)

Genes: CEP63 (centrosomal protein 63; plus strand), KY (kyphoscoliosis peptidase; minus strand). Cytogenetic location: 3q22.2.
Variant type: single nucleotide variant.
Coding change: c.1604T>C on transcript NM_178554.6 (MANE Select); coding-DNA position 1604, T replaced by C.
Protein change: p.Leu535Pro; replaces leucine 535 with proline.
Molecular consequence: missense variant.
Genome position (GRCh38, 1-based): chr3:134,603,961, A>G on the plus strand (T>C on the coding strand, the complement: KY is on the minus strand). VCF-style: chr3-134603961-A-G. GRCh37 (hg19) VCF-style: chr3-134322803-A-G.
Other names: c.1556T>C, p.Leu519Pro (NM_001350859.2); c.1541T>C, p.Leu514Pro (NM_001366276.1); short protein forms L514P, L519P, L535P.
Identifiers: ClinVar variation 4074604 (VCV004074604.2).